The following is an entry in ClinVar:

NM_002032.3(FTH1):c.469C>T (p.Arg157Cys)

Genes: BEST1 (bestrophin 1; plus strand), FTH1 (ferritin heavy chain 1; minus strand). Cytogenetic location: 11q12.3.
Variant type: single nucleotide variant.
Coding change: c.469C>T on transcript NM_002032.3 (MANE Select); coding-DNA position 469, C replaced by T.
Protein change: p.Arg157Cys; replaces arginine 157 with cysteine.
Molecular consequence: missense variant.
Genome position (GRCh38, 1-based): chr11:61,964,810, G>A on the plus strand (C>T on the coding strand, the complement: FTH1 is on the minus strand). VCF-style: chr11-61964810-G-A. GRCh37 (hg19) VCF-style: chr11-61732282-G-A.
Other names: short protein forms R157C.
Identifiers: ClinVar variation 4709188 (VCV004709188.5).

ClinVar aggregate classification (germline): Conflicting classifications of pathogenicity. Review status: criteria provided, conflicting classifications (1 of 4 stars). 2 submissions from 2 submitters: Uncertain significance (1); Likely benign (1). Last evaluated 2026-01-01.

gnomAD v4.1: 14 of 1,600,140 alleles (0.00087%); highest among the groups gnomAD compares: East Asian, 0.0022%; no homozygotes.

Submissions (2):

CeGaT Center for Human Genetics Tuebingen
Classification: Uncertain significance. Last evaluated: 2026-01-01. Review status: criteria provided, single submitter. Criteria: CeGaT Center For Human Genetics Tuebingen Variant Classification Criteria Version 2. Collection method: clinical testing. Allele origin: germline. Affected: yes. Observed: 1 variant allele.
Comment: FTH1: PM2, BP4

Labcorp Genetics (formerly Invitae), Labcorp
Classification: Likely benign. Last evaluated: 2025-10-10. Review status: criteria provided, single submitter. Criteria: Invitae Variant Classification Sherloc (09022015). Collection method: clinical testing. Allele origin: germline.